The following is an entry in ClinVar:

ClinVar aggregate classification (germline): Uncertain significance. Review status: criteria provided, multiple submitters, no conflicts (2 of 4 stars). 3 submissions from 3 submitters: Uncertain significance (3). Last evaluated 2025-12-10.

Conditions:
Inborn genetic diseases. Identifiers: MedGen C0950123, MeSH D030342.

Allele frequency attached by ClinVar (database versions not stated): ExAC 0.00001; gnomAD 0.00001; gnomAD exomes 0.00002.
gnomAD v4.1: 37 of 1,613,924 alleles (0.0023%); highest among the groups gnomAD compares: African/African-American, 0.004%; no homozygotes.

Submissions (3):

Labcorp Genetics (formerly Invitae), Labcorp
Classification: Uncertain significance. Last evaluated: 2025-12-10. Review status: criteria provided, single submitter. Criteria: Invitae Variant Classification Sherloc (09022015). Collection method: clinical testing. Allele origin: germline.
Comment: This sequence change replaces serine, which is neutral and polar, with tyrosine, which is neutral and polar, at codon 65 of the ACAN protein (p.Ser65Tyr). This variant is present in population databases (rs755142678, gnomAD 0.004%). This variant has not been reported in the literature in individuals affected with ACAN-related conditions. ClinVar contains an entry for this variant (Variation ID: 2573467). Invitae Evidence Modeling of protein sequence and biophysical properties (such as structural, functional, and spatial information, amino acid conservation, physicochemical variation, residue mobility, and thermodynamic stability) indicates that this missense variant is not expected to disrupt ACAN protein function with a negative predictive value of 80%. In summary, the available evidence is currently insufficient to determine the role of this variant in disease. Therefore, it has been classified as a Variant of Uncertain Significance.

Ambry Genetics
Classification: Uncertain significance for Inborn genetic diseases. Last evaluated: 2025-08-05. Review status: criteria provided, single submitter. Criteria: Ambry Variant Classification Scheme 2023. Collection method: clinical testing. Allele origin: germline.

Women's Health and Genetics/Laboratory Corporation of America, LabCorp
Classification: Uncertain significance. Last evaluated: 2023-06-26. Review status: criteria provided, single submitter. Criteria: LabCorp Variant Classification Summary - May 2015. Collection method: clinical testing. Allele origin: germline.
Comment: Variant summary: ACAN c.194C>A (p.Ser65Tyr) results in a non-conservative amino acid change in the encoded protein sequence. Three of four in-silico tools predict a damaging effect of the variant on protein function. The variant allele was found at a frequency of 8e-06 in 249230 control chromosomes (gnomAD). The available data on variant occurrences in the general population are insufficient to allow any conclusion about variant significance. To our knowledge, no occurrence of c.194C>A in individuals affected with ACAN-Related Disorders and no experimental evidence demonstrating its impact on protein function have been reported. No submitters have cited clinical-significance assessments for this variant to ClinVar after 2014. Based on the evidence outlined above, the variant was classified as uncertain significance.

NM_001369268.1(ACAN):c.194C>A (p.Ser65Tyr)

Gene: ACAN (aggrecan; plus strand). Cytogenetic location: 15q26.1.
Variant type: single nucleotide variant.
Coding change: c.194C>A on transcript NM_001369268.1 (MANE Select); coding-DNA position 194, C replaced by A.
Protein change: p.Ser65Tyr; replaces serine 65 with tyrosine.
Molecular consequence: missense variant.
Genome position (GRCh38, 1-based): chr15:88,838,786, C>A. VCF-style: chr15-88838786-C-A. GRCh37 (hg19) VCF-style: chr15-89382017-C-A.
Other names: c.194C>A (NM_013227.3); c.194C>A, p.Ser65Tyr (NM_001135.4, NM_001411096.1, NM_001411097.1 and 1 more transcripts); short protein forms S65Y.
Identifiers: ClinVar variation 2573467 (VCV002573467.3), dbSNP rs755142678, ClinGen allele CA7719165.
Genomic context (GRCh38, chr15:88,838,786, plus strand): 5'-CCTCCCTCACCATCCCCTGCTATTTCATCGACCCCATGCACCCTGTGACCACCGCCCCTT[C>A]TACCGCCCCACTGGCCCCAAGAATCAAGTGGAGCCGTGTGTCCAAGGAGAAGGAGGTAGT-3'
Protein context (NP_001356197.1, residues 55-75): DPMHPVTTAP[Ser65Tyr]TAPLAPRIKW